The following is an entry in ClinVar:

ClinVar aggregate classification (germline): Uncertain significance. Review status: criteria provided, multiple submitters, no conflicts (2 of 4 stars). 2 submissions from 2 submitters: Uncertain significance (2). Last evaluated 2023-08-23.

Conditions:
Huntington disease-like 1 (HDL1). Also called: PRION DISEASE, EARLY-ONSET, WITH PROMINENT PSYCHIATRIC FEATURES; HUNTINGTON-LIKE NEURODEGENERATIVE DISORDER 1; HUNTINGTON-LIKE NEURODEGENERATIVE DISORDER, AUTOSOMAL DOMINANT. Identifiers: Orphanet 157941, MedGen C1864112, MONDO:0011299, OMIM 603218.

Allele frequency attached by ClinVar (database versions not stated): gnomAD exomes 0.00002 and 0.00005; TOPMed 0.00002; gnomAD 0.00003; ExAC 0.00008; ESP Exome Variant Server 0.00023.
gnomAD v4.1: 45 of 1,613,978 alleles (0.0028%); highest among the groups gnomAD compares: Non-Finnish European, 0.0029%; 1 homozygote.

Submissions (2):

Labcorp Genetics (formerly Invitae), Labcorp
Classification: Uncertain significance for Huntington disease-like 1. Last evaluated: 2023-08-23. Review status: criteria provided, single submitter. Criteria: Invitae Variant Classification Sherloc (09022015). Collection method: clinical testing. Allele origin: germline.
Comment: This sequence change replaces serine, which is neutral and polar, with threonine, which is neutral and polar, at codon 17 of the PRNP protein (p.Ser17Thr). In summary, the available evidence is currently insufficient to determine the role of this variant in disease. Therefore, it has been classified as a Variant of Uncertain Significance. Advanced modeling of protein sequence and biophysical properties (such as structural, functional, and spatial information, amino acid conservation, physicochemical variation, residue mobility, and thermodynamic stability) performed at Invitae indicates that this missense variant is not expected to disrupt PRNP protein function. ClinVar contains an entry for this variant (Variation ID: 871372). This variant has not been reported in the literature in individuals affected with PRNP-related conditions. This variant is present in population databases (rs368154579, gnomAD 0.008%).

CeGaT Center for Human Genetics Tuebingen
Classification: Uncertain significance. Last evaluated: 2023-02-01. Review status: criteria provided, single submitter. Criteria: CeGaT Center For Human Genetics Tuebingen Variant Classification Criteria Version 2. Collection method: clinical testing. Allele origin: germline. Affected: yes. Observed: 2 variant alleles.

NM_000311.5(PRNP):c.50G>C (p.Ser17Thr)

Gene: PRNP (prion protein (Kanno blood group); plus strand). Cytogenetic location: 20p13.
Variant type: single nucleotide variant.
Coding change: c.50G>C on transcript NM_000311.5 (MANE Select); coding-DNA position 50, G replaced by C.
Protein change: p.Ser17Thr; replaces serine 17 with threonine.
Molecular consequence: missense variant. On other transcripts: 5 prime UTR variant (1).
Genome position (GRCh38, 1-based): chr20:4,699,270, G>C. VCF-style: chr20-4699270-G-C. GRCh37 (hg19) VCF-style: chr20-4679916-G-C.
Other names: c.50G>C, p.Ser17Thr (NM_001080121.3, NM_001080122.3, NM_001080123.3 and 1 more transcripts); c.-40G>C (NM_001271561.3); short protein forms S17T.
Identifiers: ClinVar variation 871372 (VCV000871372.44), dbSNP rs368154579, ClinGen allele CA9751996.